The following is an entry in ClinVar:

ClinVar aggregate classification (germline): Likely benign. Review status: criteria provided, multiple submitters, no conflicts (2 of 4 stars). 2 submissions from 2 submitters: Likely benign (2). Last evaluated 2025-12-16.

Conditions:
Primary ciliary dyskinesia. Also called: Ciliary dyskinesia. Identifiers: Orphanet 244, MedGen C0008780, MONDO:0016575, HP:0012265.

Allele frequency attached by ClinVar (database versions not stated): gnomAD exomes 0.00003 and 0.00008; gnomAD 0.00007; ExAC 0.00008; TOPMed 0.00008.
gnomAD v4.1: 57 of 1,614,004 alleles (0.0035%); highest among the groups gnomAD compares: Admixed American, 0.025%; no homozygotes.

Submissions (2):

Labcorp Genetics (formerly Invitae), Labcorp
Classification: Likely benign for Primary ciliary dyskinesia. Last evaluated: 2025-12-16. Review status: criteria provided, single submitter. Criteria: Invitae Variant Classification Sherloc (09022015). Collection method: clinical testing. Allele origin: germline.

CeGaT Center for Human Genetics Tuebingen
Classification: Likely benign. Last evaluated: 2023-07-01. Review status: criteria provided, single submitter. Criteria: CeGaT Center For Human Genetics Tuebingen Variant Classification Criteria Version 2. Collection method: clinical testing. Allele origin: germline. Affected: yes. Observed: 1 variant allele.
Comment: DNAH8: BP4, BP7

NM_001206927.2(DNAH8):c.8880A>T (p.Pro2960=)

Gene: DNAH8 (dynein axonemal heavy chain 8; plus strand). Cytogenetic location: 6p21.2.
Variant type: single nucleotide variant.
Coding change: c.8880A>T on transcript NM_001206927.2 (MANE Select); coding-DNA position 8880, A replaced by T.
Protein change: p.Pro2960=; no amino-acid change (proline 2960 retained).
Molecular consequence: synonymous variant.
Genome position (GRCh38, 1-based): chr6:38,896,165, A>T. VCF-style: chr6-38896165-A-T. GRCh37 (hg19) VCF-style: chr6-38863941-A-T.
Other names: c.8229A>T, p.Pro2743= (NM_001371.4).
Identifiers: ClinVar variation 698537 (VCV000698537.35), dbSNP rs774972147, ClinGen allele CA3790330.